The following is an entry in ClinVar:

NM_005263.5(GFI1):c.887C>G (p.Ala296Gly)

Gene: GFI1 (growth factor independent 1 transcriptional repressor; minus strand). Cytogenetic location: 1p22.1.
Variant type: single nucleotide variant.
Coding change: c.887C>G on transcript NM_005263.5 (MANE Select); coding-DNA position 887, C replaced by G.
Protein change: p.Ala296Gly; replaces alanine 296 with glycine.
Molecular consequence: missense variant.
Genome position (GRCh38, 1-based): chr1:92,480,385, G>C on the plus strand (C>G on the coding strand, the complement: GFI1 is on the minus strand). VCF-style: chr1-92480385-G-C. GRCh37 (hg19) VCF-style: chr1-92945942-G-C.
Other names: c.887C>G, p.Ala296Gly (NM_001127215.3, NM_001127216.3); short protein forms A296G.
Identifiers: ClinVar variation 5022373 (VCV005022373.1).

ClinVar aggregate classification (germline): Uncertain significance (1 of 4 stars; one submission).

Submission:

Ambry Genetics
Classification: Uncertain significance. Last evaluated: 2026-07-05. Review status: criteria provided, single submitter. Criteria: Ambry Variant Classification Scheme 2023. Collection method: clinical testing. Allele origin: germline.
Comment: The p.A296G variant (also known as c.887C>G), located in coding exon 4 of the GFI1 gene, results from a C to G substitution at nucleotide position 887. The alanine at codon 296 is replaced by glycine, an amino acid with similar properties. This amino acid position is conserved. In addition, this alteration is predicted to be tolerated by in silico analysis. Based on the available evidence, the clinical significance of this variant remains unclear.